The following is an entry in ClinVar:

NM_001105206.3(LAMA4):c.1200C>A (p.Asn400Lys)

Gene: LAMA4 (laminin subunit alpha 4; minus strand). Cytogenetic location: 6q21.
Variant type: single nucleotide variant.
Coding change: c.1200C>A on transcript NM_001105206.3 (MANE Select); coding-DNA position 1200, C replaced by A.
Protein change: p.Asn400Lys; replaces asparagine 400 with lysine.
Molecular consequence: missense variant.
Genome position (GRCh38, 1-based): chr6:112,175,470, G>T on the plus strand (C>A on the coding strand, the complement: LAMA4 is on the minus strand). VCF-style: chr6-112175470-G-T. GRCh37 (hg19) VCF-style: chr6-112496672-G-T.
Other names: c.1179C>A, p.Asn393Lys (NM_001105207.3, NM_002290.5); short protein forms N400K, N393K.
Identifiers: ClinVar variation 1741459 (VCV001741459.5), dbSNP rs375622742, ClinGen allele CA365372428.

ClinVar aggregate classification (germline): Uncertain significance. Review status: criteria provided, multiple submitters, no conflicts (2 of 4 stars). 2 submissions from 2 submitters: Uncertain significance (2). Last evaluated 2025-12-03.

Conditions:
Cardiovascular phenotype. Identifiers: MedGen CN230736.
Dilated cardiomyopathy 1JJ (CMD1JJ). Identifiers: Orphanet 154, MedGen C3808935, MONDO:0014095, OMIM 615235.

Allele frequency attached by ClinVar (database versions not stated): gnomAD 0.00001; TOPMed 0.00001.
gnomAD v4.1: 12 of 1,614,050 alleles (0.00074%); highest among the groups gnomAD compares: South Asian, 0.0011%; no homozygotes.

Submissions (2):

Labcorp Genetics (formerly Invitae), Labcorp
Classification: Uncertain significance for Dilated cardiomyopathy 1JJ. Last evaluated: 2025-12-03. Review status: criteria provided, single submitter. Criteria: Invitae Variant Classification Sherloc (09022015). Collection method: clinical testing. Allele origin: germline.
Comment: This sequence change replaces asparagine, which is neutral and polar, with lysine, which is basic and polar, at codon 393 of the LAMA4 protein (p.Asn393Lys). This variant is present in population databases (no rsID available, gnomAD 0.002%). This variant has not been reported in the literature in individuals affected with LAMA4-related conditions. ClinVar contains an entry for this variant (Variation ID: 1741459). Invitae Evidence Modeling of protein sequence and biophysical properties (such as structural, functional, and spatial information, amino acid conservation, physicochemical variation, residue mobility, and thermodynamic stability) indicates that this missense variant is not expected to disrupt LAMA4 protein function with a negative predictive value of 80%. In summary, the available evidence is currently insufficient to determine the role of this variant in disease. Therefore, it has been classified as a Variant of Uncertain Significance.

Ambry Genetics
Classification: Uncertain significance for Cardiovascular phenotype. Last evaluated: 2022-05-24. Review status: criteria provided, single submitter. Criteria: Ambry Variant Classification Scheme 2023. Collection method: clinical testing. Allele origin: germline.
Comment: The p.N393K variant (also known as c.1179C>A), located in coding exon 10 of the LAMA4 gene, results from a C to A substitution at nucleotide position 1179. The asparagine at codon 393 is replaced by lysine, an amino acid with similar properties. This amino acid position is conserved. In addition, this alteration is predicted to be tolerated by in silico analysis. Since supporting evidence is limited at this time, the clinical significance of this alteration remains unclear.